The following is an entry in ClinVar:

NM_201548.5(CERKL):c.346A>G (p.Thr116Ala)

Gene: CERKL (CERK like autophagy regulator; minus strand). Cytogenetic location: 2q31.3.
Variant type: single nucleotide variant.
Coding change: c.346A>G on transcript NM_201548.5 (MANE Select); coding-DNA position 346, A replaced by G.
Protein change: p.Thr116Ala; replaces threonine 116 with alanine.
Molecular consequence: missense variant. On other transcripts: non-coding transcript variant (2).
Genome position (GRCh38, 1-based): chr2:181,603,972, T>C on the plus strand (A>G on the coding strand, the complement: CERKL is on the minus strand). VCF-style: chr2-181603972-T-C. GRCh37 (hg19) VCF-style: chr2-182468699-T-C.
Other names: c.346A>G, p.Thr116Ala (NM_001030311.3, NM_001030312.3, NM_001030313.3 and 3 more transcripts); short protein forms T116A.
Identifiers: ClinVar variation 2202519 (VCV002202519.1), dbSNP rs549862377, ClinGen allele CA2010861.
Genomic context (GRCh38, chr2:181,603,972, plus strand): 5'-AATTCTTTAGTTTATTTTGTTCCTTTTTCAAGCAGATGAAGAGTGTGATACCTAATAAAG[T>C]ACCACTTCTCTGCTGTTTAACAGAACAACGCCGTTTCAGTTTCACAGAGAATATGTCTTT-3'
Protein context (NP_963842.1, residues 106-126): RCSVKQQRSG[Thr116Ala]LLGITLFICL

ClinVar aggregate classification (germline): Uncertain significance (1 of 4 stars; one submission).

Allele frequency attached by ClinVar (database versions not stated): TOPMed below 0.00001; gnomAD 0.00001; gnomAD exomes 0.00001; ExAC 0.00006; 1000 Genomes Project 30x 0.00016; 1000 Genomes Project 0.00020.
gnomAD v4.1: 20 of 1,613,420 alleles (0.0012%); highest among the groups gnomAD compares: East Asian, 0.042%; no homozygotes.

Submission:

Labcorp Genetics (formerly Invitae), Labcorp
Classification: Uncertain significance. Last evaluated: 2022-08-20. Review status: criteria provided, single submitter. Criteria: Invitae Variant Classification Sherloc (09022015). Collection method: clinical testing. Allele origin: germline.
Comment: This sequence change replaces threonine, which is neutral and polar, with alanine, which is neutral and non-polar, at codon 116 of the CERKL protein (p.Thr116Ala). This variant is present in population databases (rs549862377, gnomAD 0.09%). This variant has not been reported in the literature in individuals affected with CERKL-related conditions. Algorithms developed to predict the effect of missense changes on protein structure and function are either unavailable or do not agree on the potential impact of this missense change (SIFT: "Deleterious"; PolyPhen-2: "Benign"; Align-GVGD: "Class C0"). In summary, the available evidence is currently insufficient to determine the role of this variant in disease. Therefore, it has been classified as a Variant of Uncertain Significance.